The following is an entry in ClinVar:

NM_003060.4(SLC22A5):c.1346A>G (p.Tyr449Cys)

Gene: SLC22A5 (solute carrier family 22 member 5; plus strand). Cytogenetic location: 5q31.1.
Variant type: single nucleotide variant.
Coding change: c.1346A>G on transcript NM_003060.4 (MANE Select); coding-DNA position 1346, A replaced by G.
Protein change: p.Tyr449Cys; replaces tyrosine 449 with cysteine.
Molecular consequence: missense variant.
Genome position (GRCh38, 1-based): chr5:132,392,511, A>G. VCF-style: chr5-132392511-A-G. GRCh37 (hg19) VCF-style: chr5-131728203-A-G.
Other names: p.Tyr449Cys; c.1418A>G, p.Tyr473Cys (NM_001308122.2); short protein forms Y449C, Y473C.
Identifiers: ClinVar variation 1310598 (VCV001310598.8), dbSNP rs1183338050, ClinGen allele CA360808775.

ClinVar aggregate classification (germline): Conflicting classifications of pathogenicity. Review status: criteria provided, conflicting classifications (1 of 4 stars). 4 submissions from 4 submitters: Likely pathogenic (1); Uncertain significance (3). Last evaluated 2025-12-29.

Conditions:
Renal carnitine transport defect (CDSP). Also called: CARNITINE TRANSPORTER, PLASMA-MEMBRANE, DEFICIENCY OF; CARNITINE UPTAKE DEFECT; Systemic primary carnitine deficiency disease; Primary carnitine deficiency; CARNITINE DEFICIENCY, SYSTEMIC, DUE TO DEFECT IN RENAL REABSORPTION OF CARNITINE; Systemic primary carnitine deficiency. Identifiers: Orphanet 158, MedGen C0342788, MONDO:0008919, OMIM 212140.

Allele frequency attached by ClinVar (database versions not stated): gnomAD exomes below 0.00001.

Submissions (4):

Labcorp Genetics (formerly Invitae), Labcorp
Classification: Likely pathogenic for Renal carnitine transport defect. Last evaluated: 2025-12-29. Review status: criteria provided, single submitter. Criteria: Invitae Variant Classification Sherloc (09022015). Collection method: clinical testing. Allele origin: germline.
Comment: This sequence change replaces tyrosine, which is neutral and polar, with cysteine, which is neutral and slightly polar, at codon 449 of the SLC22A5 protein (p.Tyr449Cys). This variant is present in population databases (no rsID available, gnomAD no frequency). This variant has not been reported in the literature in individuals affected with SLC22A5-related conditions. ClinVar contains an entry for this variant (Variation ID: 1310598). Invitae Evidence Modeling of protein sequence and biophysical properties (such as structural, functional, and spatial information, amino acid conservation, physicochemical variation, residue mobility, and thermodynamic stability) indicates that this missense variant is expected to disrupt SLC22A5 protein function with a positive predictive value of 95%. This variant disrupts the p.Tyr449 amino acid residue in SLC22A5. Other variant(s) that disrupt this residue have been determined to be pathogenic (PMID: 14665638, 16652335, 16931768, 18337137, 28841266). This suggests that this residue is clinically significant, and that variants that disrupt this residue are likely to be disease-causing. In summary, the currently available evidence indicates that the variant is pathogenic, but additional data are needed to prove that conclusively. Therefore, this variant has been classified as Likely Pathogenic.

Giacomini Lab, University of California, San Francisco
Classification: Uncertain significance for Renal carnitine transport defect. Last evaluated: 2022-10-03. Review status: criteria provided, single submitter. Criteria: ACMG Guidelines, 2015. Collection method: research, in vitro. Allele origin: germline, not applicable.

Fulgent Genetics
Classification: Uncertain significance for Renal carnitine transport defect. Last evaluated: 2021-08-10. Review status: criteria provided, single submitter. Criteria: ACMG Guidelines, 2015. Collection method: clinical testing. Allele origin: unknown.

GeneDx
Classification: Uncertain significance. Last evaluated: 2019-11-18. Review status: criteria provided, single submitter. Criteria: GeneDx Variant Classification Process June 2021. Collection method: clinical testing. Allele origin: germline. Affected: yes.
Comment: Not observed at a significant frequency in large population cohorts (Lek et al., 2016); In silico analysis, which includes protein predictors and evolutionary conservation, supports a deleterious effect; Has not been previously published as pathogenic or benign to our knowledge

Literature cited by the submitters: PubMed 14665638 (cited by Labcorp Genetics (formerly Invitae), Labcorp); PubMed 16652335 (cited by Labcorp Genetics (formerly Invitae), Labcorp); PubMed 16931768 (cited by Labcorp Genetics (formerly Invitae), Labcorp); PubMed 18337137 (cited by Labcorp Genetics (formerly Invitae), Labcorp); PubMed 28841266 (cited by Labcorp Genetics (formerly Invitae), Labcorp).